The following is an entry in ClinVar:

NM_007215.4(POLG2):c.192G>C (p.Glu64Asp)

Genes: MILR1 (mast cell immunoglobulin like receptor 1; plus strand), POLG2 (DNA polymerase gamma 2, accessory subunit; minus strand). Cytogenetic location: 17q23.3.
Variant type: single nucleotide variant.
Coding change: c.192G>C on transcript NM_007215.4 (MANE Select); coding-DNA position 192, G replaced by C.
Protein change: p.Glu64Asp; replaces glutamic acid 64 with aspartic acid.
Molecular consequence: missense variant.
Genome position (GRCh38, 1-based): chr17:64,496,777, C>G on the plus strand (G>C on the coding strand, the complement: POLG2 is on the minus strand). VCF-style: chr17-64496777-C-G. GRCh37 (hg19) VCF-style: chr17-62492895-C-G.
Other names: short protein forms E64D.
Identifiers: ClinVar variation 4724226 (VCV004724226.1).

ClinVar aggregate classification (germline): Uncertain significance (1 of 4 stars; one submission).

Submission:

Labcorp Genetics (formerly Invitae), Labcorp
Classification: Uncertain significance. Last evaluated: 2025-07-29. Review status: criteria provided, single submitter. Criteria: Invitae Variant Classification Sherloc (09022015). Collection method: clinical testing. Allele origin: germline.
Comment: This sequence change replaces glutamic acid, which is acidic and polar, with aspartic acid, which is acidic and polar, at codon 64 of the POLG2 protein (p.Glu64Asp). This variant is not present in population databases (gnomAD no frequency). This variant has not been reported in the literature in individuals affected with POLG2-related conditions. An algorithm developed to predict the effect of missense changes on protein structure and function (PolyPhen-2) suggests that this variant is likely to be tolerated. In summary, the available evidence is currently insufficient to determine the role of this variant in disease. Therefore, it has been classified as a Variant of Uncertain Significance.